The following is an entry in ClinVar:

ClinVar aggregate classification (germline): Pathogenic/Likely pathogenic. Review status: criteria provided, multiple submitters, no conflicts (2 of 4 stars). 7 submissions from 7 submitters: Pathogenic (1); Likely pathogenic (6). Last evaluated 2026-02-25.

Conditions:
Cardiovascular phenotype. Identifiers: MedGen CN230736.
Autosomal recessive limb-girdle muscular dystrophy type 2J (LGMDR10). Also called: MUSCULAR DYSTROPHY, LIMB-GIRDLE, AUTOSOMAL RECESSIVE 10; Limb-girdle muscular dystrophy, type 2J. Identifiers: Orphanet 140922, MedGen C1837342, MONDO:0012127, OMIM 608807.
Dilated cardiomyopathy 1G (CMD1G). Identifiers: Orphanet 154, MedGen C1858763, MONDO:0011400, OMIM 604145.
Hypertrophic cardiomyopathy 9. Also called: Familial hypertrophic cardiomyopathy 9. Identifiers: MedGen C1861065, MONDO:0013412, OMIM 613765.
Tibial muscular dystrophy (TMD). Also called: Udd Distal Myopathy – Tibial Muscular Dystrophy; Tibial muscular dystrophy, tardive; UDD MYOPATHY. Identifiers: Orphanet 609, MedGen C1838244, MONDO:0010870, OMIM 600334.
Early-onset myopathy with fatal cardiomyopathy (CMYO5). Also called: Salih Myopathy; CONGENITAL MYOPATHY 5 WITH CARDIOMYOPATHY. Identifiers: Orphanet 289377, MedGen C2673677, MONDO:0012714, OMIM 611705. Disease mechanism: loss of function.
Myopathy, myofibrillar, 9, with early respiratory failure (MFM9). Also called: MYOPATHY, PROXIMAL, WITH EARLY RESPIRATORY MUSCLE INVOLVEMENT; Myopathy, distal, with early respiratory failure, autosomal dominant; Hereditary myopathy with early respiratory failure; EDSTROM MYOPATHY. Identifiers: Orphanet 178464, Orphanet 34521, MedGen C1863599, MONDO:0011362, OMIM 603689.

Allele frequency attached by ClinVar (database versions not stated): gnomAD exomes below 0.00001; TOPMed below 0.00001.

Submissions (7):

Ambry Genetics
Classification: Likely pathogenic for Cardiovascular phenotype. Last evaluated: 2026-02-25. Review status: criteria provided, single submitter. Criteria: Ambry Variant Classification Scheme 2023. Collection method: clinical testing. Allele origin: germline.
Comment: The c.78854delC variant, located in coding exon 185 of the TTN gene, results from a deletion of one nucleotide at nucleotide position 78854, causing a translational frameshift with a predicted alternate stop codon (p.T26285Mfs*55). This exon is located in the M-band region of the N2-B isoform of the titin protein and is constitutively expressed in TTN transcripts (percent spliced in or PSI 100%). This variant is considered to be rare based on population cohorts in the Genome Aggregation Database (gnomAD). This variant is expected to result in loss of function by premature protein truncation or nonsense-mediated mRNA decay. While truncating variants in TTN are present in 1-3% of the general population, truncating variants in the M-band have been reported in association with autosomal recessive titinopathies, primarily presenting with skeletal myopathy phenotypes (Ceyhan-Birsoy O et al. Neurology. 2013 Oct 1;81(14):1205-14; De Cid R et al. Neurology. 2015;85(24):2126-35). Truncating variants in coding exon 185 of the M-band of the N2-B isoform have also been specifically associated with autosomal dominant dilated cardiomyopathy (Vatta M et al. Circ GenomPrecis Med. 2025 Feb:e004982). More generally, TTN truncating variants encoded in constitutive exons (PSI >90%) have been found to be significantly associated with dilated cardiomyopathy (DCM) regardless of their position, although truncating variants in the A-band are the most common cause of DCM (Herman DS et al. N. Engl. J. Med., 2012 Feb;366:619-28; Roberts AM et al. Sci Transl Med, 2015 Jan;7:270ra6; Schafer S et al. Nat. Genet., 2017 01;49:46-53; Akhtar MM et al. Circ Heart Fail, 2020 Oct;13:e006832; Massier M et al. Clin Genet, 2025 Jan). Based on the majority of available evidence to date, this variant is likely to be pathogenic.

Institute of Human Genetics, University of Leipzig Medical Center
Classification: Pathogenic for Dilated cardiomyopathy 1G. Last evaluated: 2025-12-11. Review status: criteria provided, single submitter. Criteria: ACMG Guidelines, 2015. Collection method: clinical testing. Allele origin: unknown. Inheritance: Autosomal recessive inheritance. Affected: yes.
Comment: Criteria applied: PM2_SUP,PS4_SUP,PVS1

Labcorp Genetics (formerly Invitae), Labcorp
Classification: Likely pathogenic for Dilated cardiomyopathy 1G; Autosomal recessive limb-girdle muscular dystrophy type 2J. Last evaluated: 2025-08-25. Review status: criteria provided, single submitter. Criteria: Invitae Variant Classification Sherloc (09022015). Collection method: clinical testing. Allele origin: germline.
Comment: This sequence change creates a premature translational stop signal (p.Thr35350Metfs*55) in the TTN gene. While this is not anticipated to result in nonsense mediated decay, it is expected to create a truncated TTN protein. This variant is not present in population databases (gnomAD no frequency). This premature translational stop signal has been observed in individual(s) with clinical features of TTN-related conditions (internal data). ClinVar contains an entry for this variant (Variation ID: 503763). This variant is located in the M band of TTN (PMID: 25589632). Truncating variants in this region have been previously reported in individuals affected with autosomal dominant or autosomal recessive myopathy and muscular dystrophy (PMID: 18948003, 23975875, 24395473). Truncating variants in this region have also been identified in individuals affected with autosomal dominant dilated cardiomyopathy and/or cardio-related conditions (PMID: 27869827, 32964742, internal data). In summary, the currently available evidence indicates that the variant is pathogenic, but additional data are needed to prove that conclusively. Therefore, this variant has been classified as Likely Pathogenic.

Revvity Omics, Revvity
Classification: Likely pathogenic. Last evaluated: 2022-01-29. Review status: criteria provided, single submitter. Criteria: ACMG Guidelines, 2015. Collection method: clinical testing. Allele origin: germline.

MGZ Medical Genetics Center
Classification: Likely pathogenic for Early-onset myopathy with fatal cardiomyopathy. Last evaluated: 2021-09-13. Review status: criteria provided, single submitter. Criteria: ACMG Guidelines, 2015. Collection method: clinical testing. Allele origin: germline. Affected: yes. Observed: 2 variant alleles.
Comment: ACMG criteria applied: PVS1, PM2_SUP

Fulgent Genetics
Classification: Likely pathogenic for Tibial muscular dystrophy; Myopathy, myofibrillar, 9, with early respiratory failure; Dilated cardiomyopathy 1G; Autosomal recessive limb-girdle muscular dystrophy type 2J; Early-onset myopathy with fatal cardiomyopathy; Hypertrophic cardiomyopathy 9. Last evaluated: 2021-07-05. Review status: criteria provided, single submitter. Criteria: ACMG Guidelines, 2015. Collection method: clinical testing. Allele origin: unknown.

GeneDx
Classification: Likely pathogenic. Last evaluated: 2017-07-06. Review status: criteria provided, single submitter. Criteria: GeneDx Variant Classification (06012015). Collection method: clinical testing. Allele origin: germline. Affected: yes.
Comment: The c.101126delC variant in the TTN gene has not been reported to our knowledge. It is not observed in large populationcohorts (Lek et al., 2016). This variant causes a shift in reading frame starting at codon threonine 33709, changing it to amethionine, and creating a premature stop codon at position 55 of the new reading frame, denoted p.Thr33709MetfsX55. Thisvariant is expected to result in either an abnormal, truncated protein product or loss of protein from this allele throughnonsense-mediated mRNA decay. Other frameshift variants in the TTN gene have been reported in the Human Gene MutationDatabase in association with cardiomyopathy (Stenson et al., 2014). However, c.101126delC is not located in the A-bandregion of titin, where the majority of truncating pathogenic variants associated with DCM have been reported (Herman et al.,2012). Other truncating variants in the M-band of titin, where this variant occurs, have been reported in association with anautosomal recessive early-onset myopathy with cardiomyopathy (Carmignac et al., 2007), and heterozygous parents werereportedly healthy. Furthermore, other nonsense and frameshift TTN variants have been reported in approximately 3% ofcontrol alleles (Herman et al., 2012).

Literature cited by the submitters: PubMed 25589632 (cited by Labcorp Genetics (formerly Invitae), Labcorp); PubMed 18948003 (cited by Labcorp Genetics (formerly Invitae), Labcorp); PubMed 23975875 (cited by Labcorp Genetics (formerly Invitae), Labcorp); PubMed 24395473 (cited by Labcorp Genetics (formerly Invitae), Labcorp); PubMed 27869827 (cited by Labcorp Genetics (formerly Invitae), Labcorp); PubMed 32964742 (cited by Labcorp Genetics (formerly Invitae), Labcorp).

NM_001267550.2(TTN):c.106049del (p.Thr35350fs)

Genes: TTN (titin; minus strand), TTN-AS1 (TTN antisense RNA 1; plus strand), LOC129935182 (ATAC-STARR-seq lymphoblastoid active region 16807; plus strand). Cytogenetic location: 2q31.2.
Variant type: Deletion.
Coding change: c.106049del on transcript NM_001267550.2 (MANE Select); coding-DNA position 106049, one base deleted (C; older notation c.106049delC).
Protein change: p.Thr35350fs; shifts the reading frame from threonine 35350.
Molecular consequence: frameshift variant.
Genome position (GRCh38, 1-based): chr2:178,530,566, G deleted on the plus strand (C on the coding strand, the reverse complement: TTN is on the minus strand). VCF-style (leftmost placement, unchanged base first): chr2-178530565-AG-A. GRCh37 (hg19) VCF-style: chr2-179395292-AG-A.
Other names: c.101126del, p.Thr33709fs (NM_001256850.1); c.78854del, p.Thr26285fs (NM_003319.4); c.98345del, p.Thr32782fs (NM_133378.4); c.79229del, p.Thr26410fs (NM_133432.3); c.79430del, p.Thr26477fs (NM_133437.4); c.101126delC (NM_001256850.1); c.78854delC (NM_003319.4); short protein forms T26410fs, T33709fs, T26285fs, T26477fs, T32782fs, T35350fs.
Identifiers: ClinVar variation 503763 (VCV000503763.19), dbSNP rs1250336644, ClinGen allele CA658795975.